The following is an entry in ClinVar:

ClinVar aggregate classification (germline): Uncertain significance. Review status: criteria provided, multiple submitters, no conflicts (2 of 4 stars). 2 submissions from 2 submitters: Uncertain significance (2). Last evaluated 2022-09-12.

Allele frequency attached by ClinVar (database versions not stated): ExAC 0.00001; gnomAD exomes 0.00001 and 0.00002; TOPMed 0.00002; gnomAD 0.00003 and 0.00004.
gnomAD v4.1: 27 of 1,613,342 alleles (0.0017%); highest among the groups gnomAD compares: East Asian, 0.0022%; no homozygotes.

Submissions (2):

GeneDx
Classification: Uncertain significance. Last evaluated: 2022-09-12. Review status: criteria provided, single submitter. Criteria: GeneDx Variant Classification Process June 2021. Collection method: clinical testing. Allele origin: germline. Affected: yes.
Comment: Not observed at significant frequency in large population cohorts (gnomAD); In silico analysis supports that this missense variant does not alter protein structure/function; Has not been previously published as pathogenic or benign to our knowledge; This variant is associated with the following publications: (PMID: 30564623)

Eurofins Ntd Llc (ga)
Classification: Uncertain significance. Last evaluated: 2016-06-03. Review status: criteria provided, single submitter. Criteria: EGL Classification Definitions. Collection method: clinical testing. Allele origin: germline. Observed: 1 variant allele, 1 heterozygote.

NM_001077365.2(POMT1):c.1483G>A (p.Ala495Thr)

Gene: POMT1 (protein O-mannosyltransferase 1; plus strand). Cytogenetic location: 9q34.13.
Variant type: single nucleotide variant.
Coding change: c.1483G>A on transcript NM_001077365.2 (MANE Select); coding-DNA position 1483, G replaced by A.
Protein change: p.Ala495Thr; replaces alanine 495 with threonine.
Molecular consequence: missense variant. On other transcripts: non-coding transcript variant (10), intron variant (1).
Genome position (GRCh38, 1-based): chr9:131,518,954, G>A. VCF-style: chr9-131518954-G-A. GRCh37 (hg19) VCF-style: chr9-134394341-G-A.
Other names: c.1321G>A, p.Ala441Thr (NM_001077366.2, NM_001353194.2); c.1483G>A, p.Ala495Thr (NM_001136113.2); c.1132G>A, p.Ala378Thr (NM_001136114.2, NM_001353195.2, NM_001374691.1 and 2 more transcripts); c.1549G>A, p.Ala517Thr (NM_001353193.2, NM_007171.4); c.1393G>A, p.Ala465Thr (NM_001353196.2); c.1387G>A, p.Ala463Thr (NM_001353197.2, NM_001353198.2); c.1198G>A, p.Ala400Thr (NM_001353199.2); c.1027G>A, p.Ala343Thr (NM_001353200.2); and 4 more; short protein forms A517T, A378T, A465T, A495T, A343T, A400T, A441T, A463T.
Identifiers: ClinVar variation 288440 (VCV000288440.7), dbSNP rs774039973, ClinGen allele CA5293710.